The following is an entry in ClinVar:

ClinVar aggregate classification (germline): Uncertain significance. Review status: criteria provided, multiple submitters, no conflicts (2 of 4 stars). 2 submissions from 2 submitters: Uncertain significance (2). Last evaluated 2025-07-03.

gnomAD v4.1: 1 of 1,600,374 alleles (0.000062%); highest among the groups gnomAD compares: Non-Finnish European, 0.000085%; no homozygotes.

Submissions (2):

Labcorp Genetics (formerly Invitae), Labcorp
Classification: Uncertain significance. Last evaluated: 2025-07-03. Review status: criteria provided, single submitter. Criteria: Invitae Variant Classification Sherloc (09022015). Collection method: clinical testing. Allele origin: germline.
Comment: This sequence change replaces serine, which is neutral and polar, with asparagine, which is neutral and polar, at codon 417 of the SRP72 protein (p.Ser417Asn). This variant is not present in population databases (gnomAD no frequency). This variant has not been reported in the literature in individuals affected with SRP72-related conditions. Invitae Evidence Modeling of protein sequence and biophysical properties (such as structural, functional, and spatial information, amino acid conservation, physicochemical variation, residue mobility, and thermodynamic stability) indicates that this missense variant is not expected to disrupt SRP72 protein function with a negative predictive value of 80%. In summary, the available evidence is currently insufficient to determine the role of this variant in disease. Therefore, it has been classified as a Variant of Uncertain Significance.

Ambry Genetics
Classification: Uncertain significance. Last evaluated: 2025-03-28. Review status: criteria provided, single submitter. Criteria: Ambry Variant Classification Scheme 2023. Collection method: clinical testing. Allele origin: germline.
Comment: The p.S417N variant (also known as c.1250G>A), located in coding exon 13 of the SRP72 gene, results from a G to A substitution at nucleotide position 1250. The serine at codon 417 is replaced by asparagine, an amino acid with highly similar properties. This amino acid position is conserved. In addition, this alteration is predicted to be tolerated by in silico analysis. Based on the available evidence, the clinical significance of this variant remains unclear.

NM_006947.4(SRP72):c.1250G>A (p.Ser417Asn)

Gene: SRP72 (signal recognition particle 72; plus strand). Cytogenetic location: 4q12.
Variant type: single nucleotide variant.
Coding change: c.1250G>A on transcript NM_006947.4 (MANE Select); coding-DNA position 1250, G replaced by A.
Protein change: p.Ser417Asn; replaces serine 417 with asparagine.
Molecular consequence: missense variant. On other transcripts: non-coding transcript variant (1).
Genome position (GRCh38, 1-based): chr4:56,489,413, G>A. VCF-style: chr4-56489413-G-A. GRCh37 (hg19) VCF-style: chr4-57355579-G-A.
Other names: c.1067G>A, p.Ser356Asn (NM_001267722.2); short protein forms S417N, S356N.
Identifiers: ClinVar variation 3962042 (VCV003962042.2).